The following is an entry in ClinVar:

NM_152305.3(POGLUT1):c.743C>A (p.Thr248Asn)

Gene: POGLUT1 (protein O-glucosyltransferase 1; plus strand). Cytogenetic location: 3q13.33.
Variant type: single nucleotide variant.
Coding change: c.743C>A on transcript NM_152305.3 (MANE Select); coding-DNA position 743, C replaced by A.
Protein change: p.Thr248Asn; replaces threonine 248 with asparagine.
Molecular consequence: missense variant. On other transcripts: non-coding transcript variant (1).
Genome position (GRCh38, 1-based): chr3:119,488,933, C>A. VCF-style: chr3-119488933-C-A. GRCh37 (hg19) VCF-style: chr3-119207780-C-A.
Other names: c.743C>A, p.Thr248Asn (NM_020231.3); short protein forms T248N.
Identifiers: ClinVar variation 1720155 (VCV001720155.5), dbSNP rs2081705514, ClinGen allele CA354046606.
Genomic context (GRCh38, chr3:119,488,933, plus strand): 5'-GTGATCACAATAAATGCTGTTGCTGTTAATACTAATAACTTCCTTTCCACTTAAAGGATA[C>A]CTTAGGAAAGCCAGCTGCTAAGGATGTCCATCTTGTGGATCACTGCAAATACAAGTAAGA-3'
Protein context (NP_689518.1, residues 238-258): KNQAWKSMKD[Thr248Asn]LGKPAAKDVH

ClinVar aggregate classification (germline): Uncertain significance (1 of 4 stars; one submission).

Submission:

Labcorp Genetics (formerly Invitae), Labcorp
Classification: Uncertain significance. Last evaluated: 2022-09-23. Review status: criteria provided, single submitter. Criteria: Invitae Variant Classification Sherloc (09022015). Collection method: clinical testing. Allele origin: germline.
Comment: This variant is not present in population databases (gnomAD no frequency). In summary, the available evidence is currently insufficient to determine the role of this variant in disease. Therefore, it has been classified as a Variant of Uncertain Significance. Algorithms developed to predict the effect of missense changes on protein structure and function are either unavailable or do not agree on the potential impact of this missense change (SIFT: "Not Available"; PolyPhen-2: "Possibly Damaging"; Align-GVGD: "Not Available"). This variant has not been reported in the literature in individuals affected with POGLUT1-related conditions. This sequence change replaces threonine, which is neutral and polar, with asparagine, which is neutral and polar, at codon 248 of the POGLUT1 protein (p.Thr248Asn).